The following is an entry in ClinVar:

NM_000059.4(BRCA2):c.1608_1609del (p.Glu537fs)

Gene: BRCA2 (BRCA2 DNA repair associated; plus strand). Cytogenetic location: 13q13.1.
Variant type: Deletion.
Coding change: c.1608_1609del on transcript NM_000059.4 (MANE Select); coding-DNA positions 1608 to 1609, 2 bases deleted (TG; older notation c.1608_1609delTG).
Protein change: p.Glu537fs; shifts the reading frame from glutamic acid 537.
Molecular consequence: frameshift variant.
Genome position (GRCh38, 1-based): chr13:32,333,086-32,333,087, TG deleted. VCF-style (leftmost placement, unchanged base first): chr13-32333085-CTG-C. GRCh37 (hg19) VCF-style: chr13-32907222-CTG-C.
Other names: c.1608_1609delTG (NM_000059.3); short protein forms E537fs.
Identifiers: ClinVar variation 684405 (VCV000684405.5), dbSNP rs1593893353, ClinGen allele CA915946966.

ClinVar aggregate classification (germline): Pathogenic. Review status: criteria provided, single submitter (1 of 4 stars). 2 submissions from 2 submitters: Pathogenic (1). 1 of the submissions does not count toward it. Last evaluated 2023-09-22.

Conditions:
Hereditary cancer-predisposing syndrome. Also called: Neoplastic Syndromes, Hereditary; Tumor predisposition; Hereditary neoplastic syndrome; Hereditary Cancer Syndrome. Identifiers: Orphanet 140162, MedGen C0027672, MeSH D009386, MONDO:0015356.
Breast-ovarian cancer, familial, susceptibility to, 2 (BROVCA2). Also called: BRCA2 Hereditary Breast and Ovarian Cancer. Identifiers: Orphanet 145, MedGen C2675520, MONDO:0012933, OMIM 612555. Disease mechanism: loss of function.

Submissions (2):

Ambry Genetics
Classification: Pathogenic for Hereditary cancer-predisposing syndrome. Last evaluated: 2023-09-22. Review status: criteria provided, single submitter. Criteria: Ambry Variant Classification Scheme 2023. Collection method: clinical testing. Allele origin: germline.
Comment: The c.1608_1609delTG pathogenic mutation, located in coding exon 9 of the BRCA2 gene, results from a deletion of two nucleotides at nucleotide positions 1608 to 1609, causing a translational frameshift with a predicted alternate stop codon (p.E537Kfs*22). This alteration has been reported in a patient with triple negative breast cancer (Hahnen E et al. JAMA Oncol, 2017 Oct;3:1378-1385). This variant is considered to be rare based on population cohorts in the Genome Aggregation Database (gnomAD). This alteration is expected to result in loss of function by premature protein truncation or nonsense-mediated mRNA decay. As such, this alteration is interpreted as a disease-causing mutation.

MVZ Praenatalmedizin und Genetik Nuernberg
Classification: Pathogenic for Breast-ovarian cancer, familial, susceptibility to, 2. Last evaluated: 2019-01-31. Review status: no assertion criteria provided. Collection method: clinical testing. Allele origin: germline. Inheritance: Autosomal dominant inheritance. Affected: yes. Observed: 1 heterozygote. Not counted in ClinVar's aggregate classification.
Comment: This variant was not listed in the databases (ClinVar, BRCA-Share, ARUP, BIC). GnomAD shows no entry (very rare or private variant). This frameshift-variant results in a premature stop-codon in exon 10. Taken together, we classify this variant as pathogenic.

Literature cited by the submitters: PubMed 28715532 (cited by Ambry Genetics).